The following is an entry in ClinVar:

NM_005045.4(RELN):c.8766C>T (p.Ala2922=)

Genes: RELN (reelin; minus strand), SLC26A5-AS1 (SLC26A5 antisense RNA 1; plus strand). Cytogenetic location: 7q22.1.
Variant type: single nucleotide variant.
Coding change: c.8766C>T on transcript NM_005045.4 (MANE Select); coding-DNA position 8766, C replaced by T.
Protein change: p.Ala2922=; no amino-acid change (alanine 2922 retained).
Molecular consequence: synonymous variant.
Genome position (GRCh38, 1-based): chr7:103,498,154, G>A on the plus strand (C>T on the coding strand, the complement: RELN is on the minus strand). VCF-style: chr7-103498154-G-A. GRCh37 (hg19) VCF-style: chr7-103138601-G-A.
Other names: c.8766C>T, p.Ala2922= (NM_173054.3).
Identifiers: ClinVar variation 1139641 (VCV001139641.32), dbSNP rs115560688, ClinGen allele CA4420390.

ClinVar aggregate classification (germline): Likely benign. Review status: criteria provided, multiple submitters, no conflicts (2 of 4 stars). 2 submissions from 2 submitters: Likely benign (2). Last evaluated 2023-12-19.

Conditions:
Familial temporal lobe epilepsy 7. Identifiers: Orphanet 101046, MedGen C4225327, MONDO:0014639, OMIM 616436.
Norman-Roberts syndrome (LIS2). Also called: Lissencephaly 2 (Norman-Roberts type). Identifiers: Orphanet 89844, MedGen C0796089, MONDO:0009760, OMIM 257320.

Allele frequency attached by ClinVar (database versions not stated): ExAC 0.00002; gnomAD 0.00002 and 0.00003; gnomAD exomes 0.00004; TOPMed 0.00005.
gnomAD v4.1: 19 of 1,613,962 alleles (0.0012%); highest among the groups gnomAD compares: East Asian, 0.02%; no homozygotes.

Submissions (2):

Labcorp Genetics (formerly Invitae), Labcorp
Classification: Likely benign for Familial temporal lobe epilepsy 7; Norman-Roberts syndrome. Last evaluated: 2023-12-19. Review status: criteria provided, single submitter. Criteria: Invitae Variant Classification Sherloc (09022015). Collection method: clinical testing. Allele origin: germline.

CeGaT Center for Human Genetics Tuebingen
Classification: Likely benign. Last evaluated: 2022-07-01. Review status: criteria provided, single submitter. Criteria: CeGaT Center For Human Genetics Tuebingen Variant Classification Criteria Version 2. Collection method: clinical testing. Allele origin: germline. Affected: yes. Observed: 1 variant allele.
Comment: RELN: BP4, BP7